The following is an entry in ClinVar:

NM_014290.3(TDRD7):c.2494A>G (p.Ile832Val)

Gene: TDRD7 (tudor domain containing 7; plus strand). Cytogenetic location: 9q22.33.
Variant type: single nucleotide variant.
Coding change: c.2494A>G on transcript NM_014290.3 (MANE Select); coding-DNA position 2494, A replaced by G.
Protein change: p.Ile832Val; replaces isoleucine 832 with valine.
Molecular consequence: missense variant.
Genome position (GRCh38, 1-based): chr9:97,482,930, A>G. VCF-style: chr9-97482930-A-G. GRCh37 (hg19) VCF-style: chr9-100245212-A-G.
Other names: c.2272A>G, p.Ile758Val (NM_001302884.2); short protein forms I758V, I832V.
Identifiers: ClinVar variation 2041109 (VCV002041109.4), dbSNP rs766576013, ClinGen allele CA5146955.

ClinVar aggregate classification (germline): Uncertain significance (1 of 4 stars; one submission).

Conditions:
Cataract 36. Identifiers: MedGen C3151304, MONDO:0013484, OMIM 613887.

Allele frequency attached by ClinVar (database versions not stated): gnomAD exomes below 0.00001; ExAC 0.00001.
gnomAD v4.1: 3 of 1,614,216 alleles (0.00019%); highest among the groups gnomAD compares: Admixed American, 0.0033%; no homozygotes.

Submission:

Labcorp Genetics (formerly Invitae), Labcorp
Classification: Uncertain significance for Cataract 36. Last evaluated: 2023-12-21. Review status: criteria provided, single submitter. Criteria: Invitae Variant Classification Sherloc (09022015). Collection method: clinical testing. Allele origin: germline.
Comment: This sequence change replaces isoleucine, which is neutral and non-polar, with valine, which is neutral and non-polar, at codon 832 of the TDRD7 protein (p.Ile832Val). This variant is present in population databases (rs766576013, gnomAD 0.006%). This variant has not been reported in the literature in individuals affected with TDRD7-related conditions. ClinVar contains an entry for this variant (Variation ID: 2041109). An algorithm developed to predict the effect of missense changes on protein structure and function (PolyPhen-2) suggests that this variant is likely to be disruptive. In summary, the available evidence is currently insufficient to determine the role of this variant in disease. Therefore, it has been classified as a Variant of Uncertain Significance.